The following is an entry in ClinVar:

ClinVar aggregate classification (germline): Uncertain significance. Review status: criteria provided, multiple submitters, no conflicts (2 of 4 stars). 2 submissions from 2 submitters: Uncertain significance (2). Last evaluated 2024-03-06.

Conditions:
Cardiomyopathy (CMYO). Also called: Cardiomyopathies. Identifiers: Orphanet 167848, MedGen C0878544, MONDO:0004994, HP:0001638. Inheritance: Various modes of inheritance.

Allele frequency attached by ClinVar (database versions not stated): gnomAD exomes below 0.00001; ExAC 0.00001.
gnomAD v4.1: 1 of 1,614,016 alleles (0.000062%); highest among the groups gnomAD compares: Non-Finnish European, 0.000085%; no homozygotes.

Submissions (2):

Color Diagnostics, LLC DBA Color Health
Classification: Uncertain significance for Cardiomyopathy. Last evaluated: 2024-03-06. Review status: criteria provided, single submitter. Criteria: ACMG Guidelines, 2015. Collection method: clinical testing. Allele origin: germline.
Comment: This missense variant replaces proline with serine at codon 99 of the PRKAG2 protein. Computational prediction suggests that this variant may not impact protein structure and function (internally defined REVEL score threshold <= 0.5, PMID: 27666373). To our knowledge, functional studies have not been reported for this variant. This variant has not been reported in individuals affected with cardiovascular disorders in the literature. This variant has been identified in 1/250762 chromosomes in the general population by the Genome Aggregation Database (gnomAD). The available evidence is insufficient to determine the role of this variant in disease conclusively. Therefore, this variant is classified as a Variant of Uncertain Significance.

Clinical Genetics Laboratory, Skane University Hospital Lund
Classification: Uncertain significance. Last evaluated: 2022-05-27. Review status: criteria provided, single submitter. Criteria: ACMG Guidelines, 2015. Collection method: clinical testing. Allele origin: germline. Affected: yes.

NM_016203.4(PRKAG2):c.295C>T (p.Pro99Ser)

Gene: PRKAG2 (protein kinase AMP-activated non-catalytic subunit gamma 2; minus strand). Cytogenetic location: 7q36.1.
Variant type: single nucleotide variant.
Coding change: c.295C>T on transcript NM_016203.4 (MANE Select); coding-DNA position 295, C replaced by T.
Protein change: p.Pro99Ser; replaces proline 99 with serine.
Molecular consequence: missense variant.
Genome position (GRCh38, 1-based): chr7:151,781,323, G>A on the plus strand (C>T on the coding strand, the complement: PRKAG2 is on the minus strand). VCF-style: chr7-151781323-G-A. GRCh37 (hg19) VCF-style: chr7-151478409-G-A.
Other names: c.163C>T, p.Pro55Ser (NM_001040633.2); c.295C>T (NM_016203.3); short protein forms P55S, P99S.
Identifiers: ClinVar variation 1171323 (VCV001171323.4), dbSNP rs773748344, ClinGen allele CA056667.